The following is an entry in ClinVar:

ClinVar aggregate classification (germline): Pathogenic (1 of 4 stars; one submission).

Conditions:
Asphyxiating thoracic dystrophy 3. Also called: SHORT-RIB THORACIC DYSPLASIA 3 WITH OR WITHOUT POLYDACTYLY; SHORT-RIB THORACIC DYSPLASIA 3/6 WITH POLYDACTYLY, DIGENIC; POLYDACTYLY WITH NEONATAL CHONDRODYSTROPHY, TYPE I; Short rib polydactyly syndrome 2B; Saldino-Noonan Syndrome. Identifiers: Orphanet 474, Orphanet 93269, Orphanet 93270, Orphanet 93271, MedGen C0036069, MONDO:0013127, OMIM 613091.

Submission:

Myriad Genetics, Inc.
Classification: Pathogenic for Asphyxiating thoracic dystrophy 3. Last evaluated: 2025-03-04. Review status: criteria provided, single submitter. Criteria: Myriad Autosomal Dominant, Autosomal Recessive and X-Linked Classification Criteria (2023). Collection method: clinical testing. Allele origin: unknown.
Comment: NM_001377.2(DYNC2H1):c.3542dupT(K1182Efs*7) is frameshift variant classified as pathogenic in the context of DYNC2H1-related disorders. K1182Efs*7 has not been observed in cases with relevant disease. Relevant functional assessments of this variant are not available in the literature. K1182Efs*7 has not been observed in referenced population frequency databases. In summary, NM_001377.2(DYNC2H1):c.3542dupT(K1182Efs*7) is frameshift variant in a gene where loss of function is a known mechanism of disease and is predicted to disrupt protein function. Please note: this variant was assessed in the context of healthy population screening.

NM_001377.3(DYNC2H1):c.3542dup (p.Lys1182fs)

Gene: DYNC2H1 (dynein cytoplasmic 2 heavy chain 1; plus strand). Cytogenetic location: 11q22.3.
Variant type: Duplication.
Coding change: c.3542dup on transcript NM_001377.3 (MANE Select); coding-DNA position 3542, one base duplicated (T; older notation c.3542dupT).
Protein change: p.Lys1182fs; shifts the reading frame from lysine 1182.
Molecular consequence: frameshift variant.
Genome position (GRCh38, 1-based): chr11:103,154,778, T duplicated. VCF-style (leftmost placement, unchanged base first): chr11-103154777-G-GT. GRCh37 (hg19) VCF-style: chr11-103025506-G-GT.
Other names: c.3542dup, p.Lys1182fs (NM_001080463.2); short protein forms K1182fs.
Identifiers: ClinVar variation 4081639 (VCV004081639.1).